The following is an entry in ClinVar:

ClinVar aggregate classification (germline): Pathogenic (1 of 4 stars; one submission).

Conditions:
Congenital disorder of deglycosylation (CDDG). Identifiers: MedGen C3808991, MONDO:0031376.

Submission:

Labcorp Genetics (formerly Invitae), Labcorp
Classification: Pathogenic for Congenital disorder of deglycosylation. Last evaluated: 2023-02-07. Review status: criteria provided, single submitter. Criteria: Invitae Variant Classification Sherloc (09022015). Collection method: clinical testing. Allele origin: germline.
Comment: For these reasons, this variant has been classified as Pathogenic. This variant has not been reported in the literature in individuals affected with NGLY1-related conditions. This variant is not present in population databases (gnomAD no frequency). This sequence change creates a premature translational stop signal (p.Pro188Cysfs*27) in the NGLY1 gene. It is expected to result in an absent or disrupted protein product. Loss-of-function variants in NGLY1 are known to be pathogenic (PMID: 24651605).

Literature cited by the submitters: PubMed 24651605.

NM_018297.4(NGLY1):c.562_563del (p.Pro188fs)

Gene: NGLY1 (N-glycanase 1; minus strand). Cytogenetic location: 3p24.2.
Variant type: Deletion.
Coding change: c.562_563del on transcript NM_018297.4 (MANE Select); coding-DNA positions 562 to 563, 2 bases deleted (CC; older notation c.562_563delCC).
Protein change: p.Pro188fs; shifts the reading frame from proline 188.
Molecular consequence: frameshift variant.
Genome position (GRCh38, 1-based): chr3:25,751,193-25,751,194, GG deleted on the plus strand (CC on the coding strand, the reverse complement: NGLY1 is on the minus strand). VCF-style (leftmost placement, unchanged base first): chr3-25751192-AGG-A. GRCh37 (hg19) VCF-style: chr3-25792683-AGG-A.
Other names: c.562_563del, p.Pro188fs (NM_001145293.2, NM_001145295.2); c.436_437del, p.Pro146fs (NM_001145294.2); short protein forms P146fs, P188fs.
Identifiers: ClinVar variation 2834987 (VCV002834987.3), dbSNP rs2470600674, ClinGen allele CA2739278846.